The following is an entry in ClinVar:

ClinVar aggregate classification (germline): Likely benign. Review status: criteria provided, multiple submitters, no conflicts (2 of 4 stars). 2 submissions from 2 submitters: Likely benign (2). Last evaluated 2025-09-01.

gnomAD v4.1: 1,640 of 1,614,160 alleles (0.1%); highest among the groups gnomAD compares: Non-Finnish European, 0.073%; 8 homozygotes.

Submissions (2):

CeGaT Center for Human Genetics Tuebingen
Classification: Likely benign. Last evaluated: 2025-09-01. Review status: criteria provided, single submitter. Criteria: CeGaT Center For Human Genetics Tuebingen Variant Classification Criteria Version 2. Collection method: clinical testing. Allele origin: germline. Affected: yes. Observed: 2 variant alleles.
Comment: IQCE: BP4, BP7

Blueprint Genetics
Classification: Likely benign. Last evaluated: 2024-11-25. Review status: criteria provided, single submitter. Criteria: ACMG Guidelines, 2015. Collection method: clinical testing. Allele origin: germline.

NM_152558.5(IQCE):c.306G>A (p.Ala102=)

Genes: IQCE (IQ motif containing E; plus strand), LOC126859928 (CDK7 strongly-dependent group 2 enhancer GRCh37_chr7:2611286-2612485; plus strand). Cytogenetic location: 7p22.3.
Variant type: single nucleotide variant.
Coding change: c.306G>A on transcript NM_152558.5 (MANE Select); coding-DNA position 306, G replaced by A.
Protein change: p.Ala102=; no amino-acid change (alanine 102 retained).
Molecular consequence: synonymous variant.
Genome position (GRCh38, 1-based): chr7:2,572,238, G>A. VCF-style: chr7-2572238-G-A. GRCh37 (hg19) VCF-style: chr7-2611872-G-A.
Other names: c.306G>A, p.Ala102= (NM_001287499.2); c.258G>A, p.Ala86= (NM_001287500.2, NM_001410865.1); c.111G>A, p.Ala37= (NM_001287501.2, NM_001287502.2).
Identifiers: ClinVar variation 3770645 (VCV003770645.14).